The following is an entry in ClinVar:

NM_001379180.1(ESRRB):c.492C>T (p.Asn164=)

Gene: ESRRB (estrogen related receptor beta; plus strand). Cytogenetic location: 14q24.3.
Variant type: single nucleotide variant.
Coding change: c.492C>T on transcript NM_001379180.1 (MANE Select); coding-DNA position 492, C replaced by T.
Protein change: p.Asn164=; no amino-acid change (asparagine 164 retained).
Molecular consequence: synonymous variant.
Genome position (GRCh38, 1-based): chr14:76,462,576, C>T. VCF-style: chr14-76462576-C-T. GRCh37 (hg19) VCF-style: chr14-76928919-C-T.
Other names: c.429C>T, p.Asn143= (NM_004452.4).
Identifiers: ClinVar variation 517290 (VCV000517290.4), dbSNP rs370878277, ClinGen allele CA7281600.

ClinVar aggregate classification (germline): Likely benign (1 of 4 stars; one submission).

Allele frequency attached by ClinVar (database versions not stated): gnomAD exomes 0.00002; ESP Exome Variant Server 0.00008; ExAC 0.00002.
gnomAD v4.1: 29 of 1,613,962 alleles (0.0018%); highest among the groups gnomAD compares: African/African-American, 0.0067%; no homozygotes.

Submission:

Laboratory for Molecular Medicine, Mass General Brigham Personalized Medicine
Classification: Likely benign. Last evaluated: 2017-03-28. Review status: criteria provided, single submitter. Criteria: LMM Criteria. Collection method: clinical testing. Allele origin: germline. Observed: 1 variant allele.
Comment: p.Asn143Asn in exon 5 of ESRRB: This variant is not expected to have clinical si gnificance because it does not alter an amino acid residue and is not located wi thin the splice consensus sequence. It has been identified in 2/16500 South Asia n chromosomes by the Exome Aggregation Consortium (ExAC; dbSNP rs370878277).